The following is an entry in ClinVar:

NM_032638.5(GATA2):c.536A>C (p.Lys179Thr)

Gene: GATA2 (GATA binding protein 2; minus strand). Cytogenetic location: 3q21.3.
Variant type: single nucleotide variant.
Coding change: c.536A>C on transcript NM_032638.5 (MANE Select); coding-DNA position 536, A replaced by C.
Protein change: p.Lys179Thr; replaces lysine 179 with threonine.
Molecular consequence: missense variant.
Genome position (GRCh38, 1-based): chr3:128,486,062, T>G on the plus strand (A>C on the coding strand, the complement: GATA2 is on the minus strand). VCF-style: chr3-128486062-T-G. GRCh37 (hg19) VCF-style: chr3-128204905-T-G.
Other names: c.536A>C (NM_032638.4); c.536A>C, p.Lys179Thr (NM_001145661.2, NM_001145662.1); short protein forms K179T.
Identifiers: ClinVar variation 1013843 (VCV001013843.9), dbSNP rs751678435, ClinGen allele CA354406566.

ClinVar aggregate classification (germline): Uncertain significance. Review status: criteria provided, multiple submitters, no conflicts (2 of 4 stars). 2 submissions from 2 submitters: Uncertain significance (2). Last evaluated 2024-12-16.

Conditions:
Deafness-lymphedema-leukemia syndrome. Also called: Lymphedema, primary, with myelodysplasia; Emberger syndrome. Identifiers: Orphanet 3226, MedGen C3279664, MONDO:0013540, OMIM 614038.
Monocytopenia with susceptibility to infections. Also called: MONOCYTOPENIA AND MYCOBACTERIAL INFECTION SYNDROME; MONOCYTOPENIA WITH SUSCEPTIBILITY TO MYCOBACTERIAL, FUNGAL, AND PAPILLOMAVIRUS INFECTIONS AND MYELODYSPLASIA; COMBINED IMMUNODEFICIENCY WITH SUSCEPTIBILITY TO MYCOBACTERIAL, VIRAL, AND FUNGAL INFECTIONS; IMMUNODEFICIENCY 21; GATA2 DEFICIENCY; Dendritic cell, monocyte, B lymphocyte, and natural killer lymphocyte deficiency. Identifiers: Orphanet 228423, MedGen C3280030, MONDO:0013607, OMIM 614172.
Inborn genetic diseases. Identifiers: MedGen C0950123, MeSH D030342.

gnomAD v4.1: 4 of 1,613,992 alleles (0.00025%); highest among the groups gnomAD compares: Non-Finnish European, 0.00034%; no homozygotes.

Submissions (2):

Ambry Genetics
Classification: Uncertain significance for Inborn genetic diseases. Last evaluated: 2024-12-16. Review status: criteria provided, single submitter. Criteria: Ambry Variant Classification Scheme 2023. Collection method: clinical testing. Allele origin: germline.
Comment: The p.K179T variant (also known as c.536A>C), located in coding exon 2 of the GATA2 gene, results from an A to C substitution at nucleotide position 536. The lysine at codon 179 is replaced by threonine, an amino acid with similar properties. This amino acid position is conserved. In addition, this alteration is predicted to be deleterious by in silico analysis. Based on the available evidence, the clinical significance of this variant remains unclear.

Labcorp Genetics (formerly Invitae), Labcorp
Classification: Uncertain significance for Monocytopenia with susceptibility to infections; Deafness-lymphedema-leukemia syndrome. Last evaluated: 2023-04-08. Review status: criteria provided, single submitter. Criteria: Invitae Variant Classification Sherloc (09022015). Collection method: clinical testing. Allele origin: germline.
Comment: In summary, the available evidence is currently insufficient to determine the role of this variant in disease. Therefore, it has been classified as a Variant of Uncertain Significance. Advanced modeling of protein sequence and biophysical properties (such as structural, functional, and spatial information, amino acid conservation, physicochemical variation, residue mobility, and thermodynamic stability) has been performed at Invitae for this missense variant, however the output from this modeling did not meet the statistical confidence thresholds required to predict the impact of this variant on GATA2 protein function. ClinVar contains an entry for this variant (Variation ID: 1013843). This variant has not been reported in the literature in individuals affected with GATA2-related conditions. This variant is not present in population databases (gnomAD no frequency). This sequence change replaces lysine, which is basic and polar, with threonine, which is neutral and polar, at codon 179 of the GATA2 protein (p.Lys179Thr).